The following is an entry in ClinVar:

NM_001363711.2(DUOX2):c.4612C>G (p.Arg1538Gly)

Gene: DUOX2 (dual oxidase 2; minus strand). Cytogenetic location: 15q21.1.
Variant type: single nucleotide variant.
Coding change: c.4612C>G on transcript NM_001363711.2 (MANE Select); coding-DNA position 4612, C replaced by G.
Protein change: p.Arg1538Gly; replaces arginine 1538 with glycine.
Molecular consequence: missense variant.
Genome position (GRCh38, 1-based): chr15:45,094,185, G>C on the plus strand (C>G on the coding strand, the complement: DUOX2 is on the minus strand). VCF-style: chr15-45094185-G-C. GRCh37 (hg19) VCF-style: chr15-45386383-G-C.
Other names: c.4612C>G, p.Arg1538Gly (NM_014080.5); short protein forms R1538G.
Identifiers: ClinVar variation 2794342 (VCV002794342.3), dbSNP rs780309467, ClinGen allele CA392249015.
Genomic context (GRCh38, chr15:45,094,185, plus strand): 5'-GAAGCAGCAGCCAGGGAGGACAGGCTCAGAAGTTCTCATAGTGGTGCATGAAGTGGGCTC[G>C]GTCCTGCCTGTTGACGAGCTGACAGGCCTTCTCTACATTCTTGGTCATTCCTGGAGGGCC-3'
Protein context (NP_001350640.1, residues 1528-1548): KACQLVNRQD[Arg1538Gly]AHFMHHYENF

ClinVar aggregate classification (germline): Uncertain significance (1 of 4 stars; one submission).

gnomAD v4.1: 1 of 1,614,000 alleles (0.000062%); highest among the groups gnomAD compares: African/African-American, 0.0013%; no homozygotes.

Submission:

Labcorp Genetics (formerly Invitae), Labcorp
Classification: Uncertain significance. Last evaluated: 2023-12-02. Review status: criteria provided, single submitter. Criteria: Invitae Variant Classification Sherloc (09022015). Collection method: clinical testing. Allele origin: germline.
Comment: This sequence change replaces arginine, which is basic and polar, with glycine, which is neutral and non-polar, at codon 1538 of the DUOX2 protein (p.Arg1538Gly). This variant is not present in population databases (gnomAD no frequency). This variant has not been reported in the literature in individuals affected with DUOX2-related conditions. Advanced modeling of protein sequence and biophysical properties (such as structural, functional, and spatial information, amino acid conservation, physicochemical variation, residue mobility, and thermodynamic stability) performed at Invitae indicates that this missense variant is not expected to disrupt DUOX2 protein function with a negative predictive value of 95%. In summary, the available evidence is currently insufficient to determine the role of this variant in disease. Therefore, it has been classified as a Variant of Uncertain Significance.